The following is an entry in ClinVar:

NM_000038.6(APC):c.3385_3386insA (p.Leu1129fs)

Gene: APC (APC regulator of Wnt signaling pathway; plus strand). Cytogenetic location: 5q22.2.
Variant type: Insertion.
Coding change: c.3385_3386insA on transcript NM_000038.6 (MANE Select); coding-DNA positions 3385 to 3386, A inserted.
Protein change: p.Leu1129fs; shifts the reading frame from leucine 1129.
Molecular consequence: frameshift variant. On other transcripts: non-coding transcript variant (2).
Genome position: GRCh38 VCF-style: chr5-112838979-T-TA. GRCh37 (hg19) VCF-style: chr5-112174676-T-TA.
Other names: c.3385_3386insA, p.Leu1129fs (NM_001127510.3, NM_001354895.2, NM_001407450.1); c.3331_3332insA, p.Leu1111fs (NM_001127511.3); c.3439_3440insA, p.Leu1147fs (NM_001354896.2, NM_001407447.1, NM_001407448.1 and 1 more transcripts); c.3415_3416insA, p.Leu1139fs (NM_001354897.2); c.3310_3311insA, p.Leu1104fs (NM_001354898.2); c.3301_3302insA, p.Leu1101fs (NM_001354899.2); c.3262_3263insA, p.Leu1088fs (NM_001354900.2); c.3208_3209insA, p.Leu1070fs (NM_001354901.2, NM_001407453.1); and 11 more; short protein forms L1046fs, L1104fs, L1122fs, L745fs, L1003fs, L1070fs, L1119fs, L1129fs.
Identifiers: ClinVar variation 2567023 (VCV002567023.4), dbSNP rs2533493881, ClinGen allele CA2580612774.

ClinVar aggregate classification (germline): Pathogenic. Review status: criteria provided, multiple submitters, no conflicts (2 of 4 stars). 2 submissions from 2 submitters: Pathogenic (2). Last evaluated 2023-05-26.

Conditions:
Hereditary cancer-predisposing syndrome. Also called: Hereditary neoplastic syndrome; Hereditary Cancer Syndrome; Neoplastic Syndromes, Hereditary; Tumor predisposition. Identifiers: Orphanet 140162, MedGen C0027672, MeSH D009386, MONDO:0015356.
Familial adenomatous polyposis 1 (FAP1). Also called: POLYPOSIS, ADENOMATOUS INTESTINAL; FAMILIAL ADENOMATOUS POLYPOSIS 1, ATTENUATED. Identifiers: MedGen C2713442, MONDO:0021056, OMIM 175100. Disease mechanism: loss of function.

Submissions (2):

Ambry Genetics
Classification: Pathogenic for Hereditary cancer-predisposing syndrome. Last evaluated: 2023-05-26. Review status: criteria provided, single submitter. Criteria: Ambry Variant Classification Scheme 2023. Collection method: clinical testing. Allele origin: germline.
Comment: The c.3385_3386insA pathogenic mutation, located in coding exon 15 of the APC gene, results from an insertion of one nucleotide at position 3385, causing a translational frameshift with a predicted alternate stop codon (p.L1129Yfs*6). This alteration has been observed in at least one individual with a personal and/or family history that is consistent with APC-related disease (Ambry internal data). This variant is considered to be rare based on population cohorts in the Genome Aggregation Database (gnomAD). This alteration is expected to result in loss of function by premature protein truncation or nonsense-mediated mRNA decay. As such, this alteration is interpreted as a disease-causing mutation.

Myriad Genetics, Inc.
Classification: Pathogenic for Familial adenomatous polyposis 1. Last evaluated: 2023-05-08. Review status: criteria provided, single submitter. Criteria: Myriad Autosomal Dominant, Autosomal Recessive and X-Linked Classification Criteria (2023). Collection method: clinical testing. Allele origin: unknown.
Comment: This variant is considered pathogenic. This variant creates a frameshift predicted to result in premature protein truncation.